The following is an entry in ClinVar:

ClinVar aggregate classification (germline): Likely pathogenic (1 of 4 stars; one submission).

Conditions:
Hereditary spastic paraplegia 15 (SPG15). Also called: SPASTIC PARAPLEGIA 15, AUTOSOMAL RECESSIVE; KJELLIN SYNDROME; SPASTIC PARAPLEGIA AND RETINAL DEGENERATION. Identifiers: Orphanet 100996, MedGen C1849128, MONDO:0010044, OMIM 270700.

Submission:

Myriad Genetics, Inc.
Classification: Likely pathogenic for Hereditary spastic paraplegia 15. Last evaluated: 2021-12-31. Review status: criteria provided, single submitter. Criteria: Myriad Women's Health Autosomal Recessive and X-Linked Classification Criteria (2021). Collection method: clinical testing. Allele origin: unknown.
Comment: NM_015346.3(ZFYVE26):c.3925_3926delAA(K1309Vfs*48) is expected to be pathogenic in the context of spastic paraplegia type 15. This variant is predicted to lead to an abnormal or absent protein product due to the creation of a premature termination codon in ZFYVE26, a gene where loss-of-function variants are known to be pathogenic. Please note: this variant was assessed in the context of healthy population screening.

NM_015346.4(ZFYVE26):c.3925_3926del (p.Lys1309fs)

Gene: ZFYVE26 (zinc finger FYVE-type containing 26; minus strand). Cytogenetic location: 14q24.1.
Variant type: Deletion.
Coding change: c.3925_3926del on transcript NM_015346.4 (MANE Select); coding-DNA positions 3925 to 3926, 2 bases deleted (AA; older notation c.3925_3926delAA).
Protein change: p.Lys1309fs; shifts the reading frame from lysine 1309.
Molecular consequence: frameshift variant.
Genome position (GRCh38, 1-based): chr14:67,783,226-67,783,227, TT deleted on the plus strand (AA on the coding strand, the reverse complement: ZFYVE26 is on the minus strand). VCF-style (leftmost placement, unchanged base first): chr14-67783225-CTT-C. GRCh37 (hg19) VCF-style: chr14-68249942-CTT-C.
Other names: short protein forms K1309fs.
Identifiers: ClinVar variation 1726726 (VCV001726726.2), dbSNP rs2502806615, ClinGen allele CA2580088658.
Genomic context (GRCh38, chr14:67,783,225, plus strand): 5'-GACCTTTAACCTCGGGGAAGCCCCCAGGCAGGCCACCGTAGCTAGGAGCTTTGAGCGTGA[CTT>C]AAGAAAGGCCAAGGCAGAGGAGGTGAGGGCTGGGAGTGATGAGTCCCTTGGGGAGGAGTA-3'